The following is an entry in ClinVar:

NM_007294.4(BRCA1):c.3054del (p.Asn1018fs)

Gene: BRCA1 (BRCA1 DNA repair associated; minus strand). Cytogenetic location: 17q21.31.
Variant type: Deletion.
Coding change: c.3054del on transcript NM_007294.4 (MANE Select); coding-DNA position 3054, one base deleted (C; older notation c.3054delC).
Protein change: p.Asn1018fs; shifts the reading frame from asparagine 1018.
Molecular consequence: frameshift variant. On other transcripts: intron variant (137).
Genome position (GRCh38, 1-based): chr17:43,092,477, G deleted on the plus strand (C on the coding strand, the reverse complement: BRCA1 is on the minus strand). VCF-style (leftmost placement, unchanged base first): chr17-43092476-TG-T. GRCh37 (hg19) VCF-style: chr17-41244493-TG-T.
Other names: c.788-1445del (NM_007299.4, NM_001407974.1, NM_001407973.1 and 17 more transcripts); c.788-338del (NM_001407969.1, NM_001407968.1); c.578-1445del (NM_001408492.1, NM_001408513.1, NM_001408489.1 and 9 more transcripts); c.644-1445del (NM_001408468.1, NM_001408470.1, NM_001408464.1 and 3 more transcripts); c.524-1445del (NM_001408501.1, NM_001408500.1, NM_001408496.1 and 3 more transcripts); c.647-1445del (NM_001408455.1, NM_001408457.1, NM_001408460.1 and 11 more transcripts); c.521-1445del (NM_001408503.1, NM_001408505.1, NM_001408504.1); c.461-1445del (NM_001408507.1, NM_001408506.1); and 42 more; short protein forms N1018fs, N971fs, N850fs, N977fs, N1017fs, N722fs, N929fs, N930fs.
Identifiers: ClinVar variation 1809519 (VCV001809519.5), dbSNP rs2552173275, ClinGen allele CA2580093914.

ClinVar aggregate classification (germline): Pathogenic/Likely pathogenic. Review status: criteria provided, multiple submitters, no conflicts (2 of 4 stars). 2 submissions from 2 submitters: Pathogenic (1); Likely pathogenic (1). Last evaluated 2024-03-15.

Conditions:
Hereditary breast ovarian cancer syndrome. Also called: Hereditary breast and ovarian cancer; Breast and ovarian cancer; Hereditary breast and/or ovarian cancer syndrome; BRCA1- and BRCA2-Associated Hereditary Breast and Ovarian Cancer; Hereditary breast and ovarian cancer syndrome; Hereditary breast and ovarian cancer syndrome (HBOC). Identifiers: Orphanet 145, MedGen C0677776, MeSH D061325, MONDO:0003582. Disease mechanism: loss of function.

Submissions (2):

Labcorp Genetics (formerly Invitae), Labcorp
Classification: Pathogenic for Hereditary breast ovarian cancer syndrome. Last evaluated: 2024-03-15. Review status: criteria provided, single submitter. Criteria: Invitae Variant Classification Sherloc (09022015). Collection method: clinical testing. Allele origin: germline.
Comment: This sequence change creates a premature translational stop signal (p.Asn1018Lysfs*6) in the BRCA1 gene. It is expected to result in an absent or disrupted protein product. Loss-of-function variants in BRCA1 are known to be pathogenic (PMID: 20104584). This variant is not present in population databases (gnomAD no frequency). This variant has not been reported in the literature in individuals affected with BRCA1-related conditions. ClinVar contains an entry for this variant (Variation ID: 1809519). For these reasons, this variant has been classified as Pathogenic.

Quest Diagnostics Nichols Institute San Juan Capistrano
Classification: Likely pathogenic. Last evaluated: 2023-03-22. Review status: criteria provided, single submitter. Criteria: Quest Diagnostics criteria. Collection method: clinical testing. Allele origin: unknown.
Comment: This frameshift variant alters the translational reading frame of the BRCA1 mRNA and is predicted to cause the premature termination of BRCA1 protein synthesis. The variant has not been reported in individuals with BRCA1-related diseases in the published literature. It also has not been reported in large, multi-ethnic general populations. Based on the available information, this variant is classified as likely pathogenic.

Literature cited by the submitters: PubMed 20104584 (cited by Labcorp Genetics (formerly Invitae), Labcorp).